The following is an entry in ClinVar:

NM_000337.6(SGCD):c.467A>G (p.Glu156Gly)

Gene: SGCD (sarcoglycan delta; plus strand). Cytogenetic location: 5q33.3.
Variant type: single nucleotide variant.
Coding change: c.467A>G on transcript NM_000337.6 (MANE Select); coding-DNA position 467, A replaced by G.
Protein change: p.Glu156Gly; replaces glutamic acid 156 with glycine.
Molecular consequence: missense variant.
Genome position (GRCh38, 1-based): chr5:156,595,016, A>G. VCF-style: chr5-156595016-A-G. GRCh37 (hg19) VCF-style: chr5-156022026-A-G.
Other names: c.464A>G, p.Glu155Gly (NM_001128209.2); c.467A>G, p.Glu156Gly (NM_172244.3); short protein forms E156G, E155G.
Identifiers: ClinVar variation 2050958 (VCV002050958.4), dbSNP rs2480248372, ClinGen allele CA362010680.
Genomic context (GRCh38, chr5:156,595,016, plus strand): 5'-GTAAAAAATTTGAGGTAAAAACTGTTTCTGGAAAATTGCTCTTCTCTGCAGACAATAATG[A>G]AGTGGTAGTAGGAGCTGAAAGATTACGAGTTTTAGGTAAGGAAACTTGAATCATTTAACT-3'
Protein context (NP_000328.2, residues 146-166): GKLLFSADNN[Glu156Gly]VVVGAERLRV

ClinVar aggregate classification (germline): Uncertain significance (1 of 4 stars; one submission).

Conditions:
Autosomal recessive limb-girdle muscular dystrophy type 2F (LGMDR6). Also called: Muscular dystrophy limb-girdle with delta-sarcoglyan deficiency; MUSCULAR DYSTROPHY, LIMB-GIRDLE, AUTOSOMAL RECESSIVE 6. Identifiers: Orphanet 219, MedGen C1832525, MONDO:0011028, OMIM 601287. Disease mechanism: Affects gamma-sarcoglycan and also disrupts the integrity of the entire sarcoglycan complex..

Submission:

Labcorp Genetics (formerly Invitae), Labcorp
Classification: Uncertain significance for Autosomal recessive limb-girdle muscular dystrophy type 2F. Last evaluated: 2021-12-30. Review status: criteria provided, single submitter. Criteria: Invitae Variant Classification Sherloc (09022015). Collection method: clinical testing. Allele origin: germline.
Comment: In summary, the available evidence is currently insufficient to determine the role of this variant in disease. Therefore, it has been classified as a Variant of Uncertain Significance. Algorithms developed to predict the effect of missense changes on protein structure and function are either unavailable or do not agree on the potential impact of this missense change (SIFT: "Deleterious"; PolyPhen-2: "Benign"; Align-GVGD: "Class C0"). This variant has not been reported in the literature in individuals affected with SGCD-related conditions. This variant is not present in population databases (gnomAD no frequency). This sequence change replaces glutamic acid, which is acidic and polar, with glycine, which is neutral and non-polar, at codon 156 of the SGCD protein (p.Glu156Gly).